The following is an entry in ClinVar:

NM_000492.4(CFTR):c.3707del (p.Pro1236fs)

Genes: CFTR (CF transmembrane conductance regulator; plus strand), CFTR-AS2 (CFTR antisense RNA 2; minus strand). Cytogenetic location: 7q31.2.
Variant type: Deletion.
Coding change: c.3707del on transcript NM_000492.4 (MANE Select); coding-DNA position 3707, one base deleted (C; older notation c.3707delC).
Protein change: p.Pro1236fs; shifts the reading frame from proline 1236.
Molecular consequence: frameshift variant.
Genome position (GRCh38, 1-based): chr7:117,627,760, C deleted; the last of 2 consecutive C bases (chr7:117,627,759-117,627,760); deleting either gives the same sequence. VCF-style (leftmost placement, unchanged base first): chr7-117627758-TC-T. GRCh37 (hg19) VCF-style: chr7-117267812-TC-T.
Other names: c.3707delC, p.Pro1236Leufs (NM_000492.3); short protein forms P1236fs.
Identifiers: ClinVar variation 4064501 (VCV004064501.2).

ClinVar aggregate classification (germline): Likely pathogenic (1 of 4 stars; one submission).

Conditions:
CFTR-related disorder (CFTR-RD). Also called: CFTR-related disorders; CFTR-related condition. Identifiers: MedGen C5924204, MONDO:7770004.

Submission:

Natera, Inc.
Classification: Likely pathogenic for CFTR-related disorders. Last evaluated: 2025-04-07. Review status: criteria provided, single submitter. Criteria: Natera Variant Classification Schema (03/2026). Collection method: clinical testing. Allele origin: germline.
Comment: The c.3707del variant in CFTR is a frameshift variant predicted to shift the reading frame beginning at codon 1236 and leads to a stop codon 23 codons downstream. This variant is expected to result in nonsense mediated decay, truncation, or a dysfunctional protein product. This variant is rare in the general population with a frequency below the threshold expected for the associated phenotype(s). Given the available evidence, this variant is classified as Likely Pathogenic.